The following is an entry in ClinVar:

NM_014314.4(RIGI):c.1247A>T (p.Asp416Val)

Gene: RIGI (RNA sensor RIG-I; minus strand). Cytogenetic location: 9p21.1.
Variant type: single nucleotide variant.
Coding change: c.1247A>T on transcript NM_014314.4 (MANE Select); coding-DNA position 1247, A replaced by T.
Protein change: p.Asp416Val; replaces aspartic acid 416 with valine.
Molecular consequence: missense variant.
Genome position (GRCh38, 1-based): chr9:32,487,599, T>A on the plus strand (A>T on the coding strand, the complement: RIGI is on the minus strand). VCF-style: chr9-32487599-T-A. GRCh37 (hg19) VCF-style: chr9-32487597-T-A.
Other names: c.1241A>T, p.Asp414Val (NM_001385907.1); c.1247A>T, p.Asp416Val (NM_001385909.1); c.806A>T, p.Asp269Val (NM_001385910.1); c.638A>T, p.Asp213Val (NM_001385912.1); c.1232A>T, p.Asp411Val (NM_001385913.1); c.803A>T, p.Asp268Val (NM_001385914.1); short protein forms D268V, D411V, D414V, D416V, D213V, D269V.
Identifiers: ClinVar variation 2985025 (VCV002985025.3), dbSNP rs1425540880, ClinGen allele CA373156021.
Genomic context (GRCh38, chr9:32,487,599, plus strand): 5'-GCATCAAGAGAAGCACACAGCTTGCAGATATAATCCAAGGCTTCATCTGTGTTTTTGGCA[T>A]CCCCAACACCAACCGAGGCAGTCAGCCCAATGACCTGTAAGGAGCATTCAAAATCATTAG-3'
Protein context (NP_055129.2, residues 406-426): IGLTASVGVG[Asp416Val]AKNTDEALDY

ClinVar aggregate classification (germline): Uncertain significance (1 of 4 stars; one submission).

Allele frequency attached by ClinVar (database versions not stated): gnomAD 0.00001; TOPMed 0.00001.
gnomAD v4.1: 1 of 1,614,012 alleles (0.000062%); highest among the groups gnomAD compares: Non-Finnish European, 0.000085%; no homozygotes.

Submission:

Labcorp Genetics (formerly Invitae), Labcorp
Classification: Uncertain significance. Last evaluated: 2025-03-23. Review status: criteria provided, single submitter. Criteria: Invitae Variant Classification Sherloc (09022015). Collection method: clinical testing. Allele origin: germline.
Comment: This sequence change replaces aspartic acid, which is acidic and polar, with valine, which is neutral and non-polar, at codon 416 of the DDX58 protein (p.Asp416Val). This variant is not present in population databases (gnomAD no frequency). This variant has not been reported in the literature in individuals affected with DDX58-related conditions. ClinVar contains an entry for this variant (Variation ID: 2985025). Invitae Evidence Modeling of protein sequence and biophysical properties (such as structural, functional, and spatial information, amino acid conservation, physicochemical variation, residue mobility, and thermodynamic stability) indicates that this missense variant is not expected to disrupt DDX58 protein function with a negative predictive value of 80%. In summary, the available evidence is currently insufficient to determine the role of this variant in disease. Therefore, it has been classified as a Variant of Uncertain Significance.